The following is an entry in ClinVar:

ClinVar aggregate classification (germline): Benign/Likely benign. Review status: criteria provided, multiple submitters, no conflicts (2 of 4 stars). 4 submissions from 4 submitters: Benign (2); Likely benign (2). Last evaluated 2026-02-02.

Conditions:
RASopathy. Also called: Noonan spectrum disorder; rasopathies. Identifiers: Orphanet 536391, MedGen C5555857, MONDO:0021060.

Allele frequency attached by ClinVar (database versions not stated): gnomAD below 0.00001 and 0.00003; TOPMed 0.00001; gnomAD exomes 0.00013; ExAC 0.00029; 1000 Genomes Project 0.00040; 1000 Genomes Project 30x 0.00047.
gnomAD v4.1: 121 of 1,605,274 alleles (0.0075%); highest among the groups gnomAD compares: South Asian, 0.1%; 1 homozygote.

Submissions (4):

Labcorp Genetics (formerly Invitae), Labcorp
Classification: Benign for RASopathy. Last evaluated: 2026-02-02. Review status: criteria provided, single submitter. Criteria: Invitae Variant Classification Sherloc (09022015). Collection method: clinical testing. Allele origin: germline.

Women's Health and Genetics/Laboratory Corporation of America, LabCorp
Classification: Benign. Last evaluated: 2025-01-20. Review status: criteria provided, single submitter. Criteria: LabCorp Variant Classification Summary - May 2015. Collection method: clinical testing. Allele origin: germline.

Blueprint Genetics
Classification: Likely benign. Last evaluated: 2024-06-07. Review status: criteria provided, single submitter. Criteria: ACMG Guidelines, 2015. Collection method: clinical testing. Allele origin: germline.

GeneDx
Classification: Likely benign. Last evaluated: 2016-07-22. Review status: criteria provided, single submitter. Criteria: GeneDx Variant Classification (06012015). Collection method: clinical testing. Allele origin: germline. Affected: yes.
Comment: This variant is considered likely benign or benign based on one or more of the following criteria: it is a conservative change, it occurs at a poorly conserved position in the protein, it is predicted to be benign by multiple in silico algorithms, and/or has population frequency not consistent with disease.

NM_030662.4(MAP2K2):c.581-19C>T

Gene: MAP2K2 (mitogen-activated protein kinase kinase 2; minus strand). Cytogenetic location: 19p13.3.
Variant type: single nucleotide variant.
Coding change: c.581-19C>T on transcript NM_030662.4 (MANE Select); 19 bases into the intron before coding-DNA position 581, C replaced by T.
Molecular consequence: intron variant.
Genome position (GRCh38, 1-based): chr19:4,101,162, G>A on the plus strand (C>T on the coding strand, the complement: MAP2K2 is on the minus strand). VCF-style: chr19-4101162-G-A. GRCh37 (hg19) VCF-style: chr19-4101160-G-A.
Identifiers: ClinVar variation 387949 (VCV000387949.12), dbSNP rs573730409, ClinGen allele CA9090882.
Genomic context (GRCh38, chr19:4,101,162, plus strand): 5'-TCTCCCCTCTAGAGTTCACGAGGATGTTGGAGGGCTTCACATCTGGAGGCGGCAGGCTGC[G>A]GGTGAGGGGCGCCCAACAGTTGCCTGCCGGCCCCCGGGGCTCTGGGGAGGGCGGGCTGGG-3'